The following is an entry in ClinVar:

NM_007294.4(BRCA1):c.4907A>G (p.Lys1636Arg)

Gene: BRCA1 (BRCA1 DNA repair associated; minus strand). Cytogenetic location: 17q21.31.
Variant type: single nucleotide variant.
Coding change: c.4907A>G on transcript NM_007294.4 (MANE Select); coding-DNA position 4907, A replaced by G.
Protein change: p.Lys1636Arg; replaces lysine 1636 with arginine.
Molecular consequence: missense variant. On other transcripts: non-coding transcript variant (1).
Genome position (GRCh38, 1-based): chr17:43,071,007, T>C on the plus strand (A>G on the coding strand, the complement: BRCA1 is on the minus strand). VCF-style: chr17-43071007-T-C. GRCh37 (hg19) VCF-style: chr17-41223024-T-C.
Other names: c.4694A>G, p.Lys1565Arg (NM_001407571.1, NM_001407894.1, NM_001407895.1 and 12 more transcripts); c.4973A>G, p.Lys1658Arg (NM_001407581.1, NM_001407582.1); c.4970A>G, p.Lys1657Arg (NM_001407583.1, NM_001407585.1, NM_001407587.1 and 1 more transcripts); c.4967A>G, p.Lys1656Arg (NM_001407590.1, NM_001407591.1); c.4907A>G, p.Lys1636Arg (NM_001407593.1, NM_001407594.1, NM_001407596.1 and 8 more transcripts); c.4904A>G, p.Lys1635Arg (NM_001407610.1, NM_001407611.1, NM_001407622.1 and 17 more transcripts); c.4901A>G, p.Lys1634Arg (NM_001407627.1, NM_001407628.1, NM_001407629.1 and 14 more transcripts); c.4898A>G, p.Lys1633Arg (NM_001407644.1, NM_001407645.1); and 70 more; short protein forms K1589R, K1636R, K1657R, K532R, K1340R, K1467R, K1482R, K1547R.
Identifiers: ClinVar variation 865406 (VCV000865406.3), dbSNP rs2052382212, ClinGen allele CA10591709.

Conditions:
Breast-ovarian cancer, familial, susceptibility to, 1 (BROVCA1). Also called: BRCA1 Hereditary Breast and Ovarian Cancer; OVARIAN CANCER, SUSCEPTIBILITY TO. Identifiers: Orphanet 145, MedGen C2676676, MONDO:0011450, OMIM 604370. Disease mechanism: loss of function.

Submission:

Brotman Baty Institute, University of Washington
No classification provided (evidence only). Condition: Breast-ovarian cancer, familial 1. Review status: no classification provided. Collection method: in vitro. Allele origin: not applicable. Functional consequence: functionally_normal.
ClinVar note: "not provided" was previously submitted as the classification for the variant. However, the classification appeared to be based only on an observation of functional data so it was converted to no classification on 2025-07-30.